The following is an entry in ClinVar:

NM_006206.6(PDGFRA):c.1768A>G (p.Arg590Gly)

Gene: PDGFRA (platelet derived growth factor receptor alpha; plus strand). Cytogenetic location: 4q12.
Variant type: single nucleotide variant.
Coding change: c.1768A>G on transcript NM_006206.6 (MANE Select); coding-DNA position 1768, A replaced by G.
Protein change: p.Arg590Gly; replaces arginine 590 with glycine.
Molecular consequence: missense variant.
Genome position (GRCh38, 1-based): chr4:54,274,955, A>G. VCF-style: chr4-54274955-A-G. GRCh37 (hg19) VCF-style: chr4-55141122-A-G.
Other names: c.1768A>G, p.Arg590Gly (NM_001347827.2, NM_001347829.2); c.1843A>G, p.Arg615Gly (NM_001347828.2); c.1807A>G, p.Arg603Gly (NM_001347830.2); c.1768A>G (NM_006206.4); short protein forms R590G, R615G, R603G.
Identifiers: ClinVar variation 1388305 (VCV001388305.7), dbSNP rs2110300658, ClinGen allele CA356893273.
Genomic context (GRCh38, chr4:54,274,955, plus strand): 5'-CATGAATATATTTATGTGGACCCGATGCAGCTGCCTTATGACTCAAGATGGGAGTTTCCA[A>G]GAGATGGACTAGTGCTTGGTAAGTTCCATGGGGTAACCTCCCAAGACTCCCTTTTCCCTT-3'
Protein context (NP_006197.1, residues 580-600): LPYDSRWEFP[Arg590Gly]DGLVLGRVLG

ClinVar aggregate classification (germline): Uncertain significance. Review status: criteria provided, multiple submitters, no conflicts (2 of 4 stars). 2 submissions from 2 submitters: Uncertain significance (2). Last evaluated 2026-09-05.

Conditions:
Hereditary cancer-predisposing syndrome. Also called: Hereditary Cancer Syndrome; Neoplastic Syndromes, Hereditary; Hereditary neoplastic syndrome; Tumor predisposition. Identifiers: Orphanet 140162, MedGen C0027672, MeSH D009386, MONDO:0015356.
Gastrointestinal stromal tumor. Also called: Gastrointestinal stromal tumor, somatic; Gastrointestinal stroma tumor. Identifiers: Orphanet 44890, MedGen C0238198, MeSH D046152, MONDO:0011719, OMIM 606764, HP:0100723.

Allele frequency attached by ClinVar (database versions not stated): gnomAD exomes below 0.00001.
gnomAD v4.1: 1 of 1,614,168 alleles (0.000062%); highest among the groups gnomAD compares: South Asian, 0.0011%; no homozygotes.

Submissions (2):

Ambry Genetics
Classification: Uncertain significance for Hereditary cancer-predisposing syndrome. Last evaluated: 2026-09-05. Review status: criteria provided, single submitter. Criteria: Ambry Variant Classification Scheme 2023. Collection method: clinical testing. Allele origin: germline.
Comment: The p.R590G variant (also known as c.1768A>G), located in coding exon 11 of the PDGFRA gene, results from an A to G substitution at nucleotide position 1768. The arginine at codon 590 is replaced by glycine, an amino acid with dissimilar properties. This amino acid position is conserved. In addition, this alteration is predicted to be deleterious by in silico analysis. Based on the available evidence, the clinical significance of this variant remains unclear.

Labcorp Genetics (formerly Invitae), Labcorp
Classification: Uncertain significance for Gastrointestinal stromal tumor. Last evaluated: 2021-10-21. Review status: criteria provided, single submitter. Criteria: Invitae Variant Classification Sherloc (09022015). Collection method: clinical testing. Allele origin: germline.
Comment: In summary, the available evidence is currently insufficient to determine the role of this variant in disease. Therefore, it has been classified as a Variant of Uncertain Significance. Algorithms developed to predict the effect of missense changes on protein structure and function (SIFT, PolyPhen-2, Align-GVGD) all suggest that this variant is likely to be disruptive. This variant has not been reported in the literature in individuals affected with PDGFRA-related conditions. This variant is not present in population databases (ExAC no frequency). This sequence change replaces arginine with glycine at codon 590 of the PDGFRA protein (p.Arg590Gly). The arginine residue is highly conserved and there is a moderate physicochemical difference between arginine and glycine.